The following is an entry in ClinVar:

NM_012193.4(FZD4):c.678G>A (p.Trp226Ter)

Genes: FZD4 (frizzled class receptor 4; minus strand), PRSS23 (serine protease 23; plus strand). Cytogenetic location: 11q14.2.
Variant type: single nucleotide variant.
Coding change: c.678G>A on transcript NM_012193.4 (MANE Select); coding-DNA position 678, G replaced by A.
Protein change: p.Trp226Ter; replaces tryptophan 226 with a stop codon.
Molecular consequence: nonsense. On other transcripts: non-coding transcript variant (2).
Genome position (GRCh38, 1-based): chr11:86,952,078, C>T on the plus strand (G>A on the coding strand, the complement: FZD4 is on the minus strand). VCF-style: chr11-86952078-C-T. GRCh37 (hg19) VCF-style: chr11-86663120-C-T.
Other names: short protein forms W226*.
Identifiers: ClinVar variation 940196 (VCV000940196.9), dbSNP rs80358289, ClinGen allele CA225381314.

ClinVar aggregate classification (germline): Pathogenic (1 of 4 stars; one submission).

Submission:

Labcorp Genetics (formerly Invitae), Labcorp
Classification: Pathogenic. Last evaluated: 2025-05-11. Review status: criteria provided, single submitter. Criteria: Invitae Variant Classification Sherloc (09022015). Collection method: clinical testing. Allele origin: germline.
Comment: This sequence change creates a premature translational stop signal (p.Trp226*) in the FZD4 gene. While this is not anticipated to result in nonsense mediated decay, it is expected to disrupt the last 312 amino acid(s) of the FZD4 protein. This variant is not present in population databases (gnomAD no frequency). This premature translational stop signal has been observed in individuals with FZD4-related conditions (PMID: 21097938, 21177847). It has also been observed to segregate with disease in related individuals. ClinVar contains an entry for this variant (Variation ID: 940196). Algorithms developed to predict the effect of variants on gene product structure and function are not available or were not evaluated for this variant. Experimental studies have shown that this premature translational stop signal affects FZD4 function (PMID: 21177847). For these reasons, this variant has been classified as Pathogenic.

Literature cited by the submitters: PubMed 21097938; PubMed 21177847.